The following continues an entry in ClinVar:

NM_000059.4(BRCA2):c.5946del (p.Ser1982fs)

Gene: BRCA2. ClinVar aggregate classification (germline): Pathogenic. Pathogenic (1).

Literature cited by the submitters, continued: PubMed 20887823 (cited by Quest Diagnostics Nichols Institute San Juan Capistrano and Counsyl); PubMed 26681312 (cited by Quest Diagnostics Nichols Institute San Juan Capistrano and Ambry Genetics); PubMed 28767289 (cited by Quest Diagnostics Nichols Institute San Juan Capistrano and New York Genome Center); PubMed 26440929 (cited by Quest Diagnostics Nichols Institute San Juan Capistrano and Ambry Genetics); PubMed 29907814 (cited by Quest Diagnostics Nichols Institute San Juan Capistrano); PubMed 26064523 (cited by Quest Diagnostics Nichols Institute San Juan Capistrano); PubMed 30883245 (cited by Quest Diagnostics Nichols Institute San Juan Capistrano); PubMed 32341426 (cited by Quest Diagnostics Nichols Institute San Juan Capistrano); PubMed 32885271 (cited by Quest Diagnostics Nichols Institute San Juan Capistrano); PubMed 33471991 (cited by Quest Diagnostics Nichols Institute San Juan Capistrano and Color Diagnostics, LLC DBA Color Health); PubMed 39702187 (cited by Quest Diagnostics Nichols Institute San Juan Capistrano); PubMed 17591843 (cited by Quest Diagnostics Nichols Institute San Juan Capistrano and GeneReviews); PubMed 8841191 (cited by 3 submitters); PubMed 15695382 (cited by 6 submitters); PubMed 23199084 (cited by Quest Diagnostics Nichols Institute San Juan Capistrano and Pathway Genomics); PubMed 26295337 (cited by Quest Diagnostics Nichols Institute San Juan Capistrano); PubMed 8524414 (cited by Color Diagnostics, LLC DBA Color Health and OMIM); PubMed 8673091 (cited by 4 submitters); PubMed 8898735 (cited by Color Diagnostics, LLC DBA Color Health); PubMed 12473589 (cited by Color Diagnostics, LLC DBA Color Health and Illumina Laboratory Services, Illumina); PubMed 14576434 (cited by Color Diagnostics, LLC DBA Color Health and Illumina Laboratory Services, Illumina); PubMed 18607349 (cited by 3 submitters); PubMed 28944232 (cited by Color Diagnostics, LLC DBA Color Health); PubMed 29084914 (cited by 3 submitters); PubMed 29433453 (cited by Color Diagnostics, LLC DBA Color Health and New York Genome Center); PubMed 30152102 (cited by 3 submitters); PubMed 22009639 (cited by Ambry Genetics and Counsyl); PubMed 23633455 (cited by Ambry Genetics); PubMed 28632866 (cited by Ambry Genetics); PubMed 26867194 (cited by Laboratory for Molecular Medicine, Mass General Brigham Personalized Medicine); PubMed 29321669 (cited by New York Genome Center); DOI 10.3389/fgene.2022.834265 (cited by National Health Laboratory Service, Universitas Academic Hospital and University of the Free State); PubMed 9150153 (cited by Sema4); PubMed 28873162 (cited by Department of Pediatrics, Memorial Sloan Kettering Cancer Center); PubMed 9758598 (cited by Women's Health and Genetics/Laboratory Corporation of America, LabCorp); PubMed 20216074 (cited by Illumina Laboratory Services, Illumina); PubMed 8841192 (cited by Illumina Laboratory Services, Illumina); PubMed 10570174 (cited by Illumina Laboratory Services, Illumina and Counsyl); PubMed 23469205 (cited by Clinical and Functional Genomics Group, A.C.Camargo Cancer Center); PMC 3583621 (cited by Curoverse); DOI 10.1001/jama.2011.678 (cited by Curoverse); PubMed 8075631 (cited by OMIM); NCBI Bookshelf NBK1247 (cited by GeneReviews); PubMed 11466700 (cited by GeneReviews); PubMed 11896095 (cited by GeneReviews); PubMed 12402332 (cited by GeneReviews).